The following is an entry in ClinVar:

NM_170707.4(LMNA):c.380T>C (p.Leu127Pro)

Genes: LMNA (lamin A/C; plus strand), LOC126805877 (MED14-independent group 3 enhancer GRCh37_chr1:156099693-156100892; plus strand). Cytogenetic location: 1q22.
Variant type: single nucleotide variant.
Coding change: c.380T>C on transcript NM_170707.4 (MANE Select); coding-DNA position 380, T replaced by C.
Protein change: p.Leu127Pro; replaces leucine 127 with proline.
Molecular consequence: missense variant.
Genome position (GRCh38, 1-based): chr1:156,130,640, T>C. VCF-style: chr1-156130640-T-C. GRCh37 (hg19) VCF-style: chr1-156100431-T-C.
Other names: c.44T>C, p.Leu15Pro (NM_001257374.3); c.137T>C, p.Leu46Pro (NM_001282624.2); c.380T>C, p.Leu127Pro (NM_001282625.2, NM_001282626.2, NM_005572.4 and 1 more transcripts); short protein forms L15P, L127P, L46P.
Identifiers: ClinVar variation 1427183 (VCV001427183.6), dbSNP rs2102865527, ClinGen allele CA342815093.

ClinVar aggregate classification (germline): Uncertain significance (1 of 4 stars; one submission).

Conditions:
Charcot-Marie-Tooth disease type 2. Also called: Charcot-Marie-Tooth type 2. Identifiers: Orphanet 64746, MedGen C0270914, MONDO:0018993.

Submission:

Labcorp Genetics (formerly Invitae), Labcorp
Classification: Uncertain significance for Charcot-Marie-Tooth disease type 2. Last evaluated: 2021-08-01. Review status: criteria provided, single submitter. Criteria: Invitae Variant Classification Sherloc (09022015). Collection method: clinical testing. Allele origin: germline.
Comment: In summary, the available evidence is currently insufficient to determine the role of this variant in disease. Therefore, it has been classified as a Variant of Uncertain Significance. Algorithms developed to predict the effect of missense changes on protein structure and function (SIFT, PolyPhen-2, Align-GVGD) all suggest that this variant is likely to be disruptive. This missense change has been observed in individual(s) with autosomal dominant limb-girdle muscular dystrophy (Invitae). This variant is not present in population databases (ExAC no frequency). This sequence change replaces leucine with proline at codon 127 of the LMNA protein (p.Leu127Pro). The leucine residue is highly conserved and there is a moderate physicochemical difference between leucine and proline.